The following is an entry in ClinVar:

NM_000313.4(PROS1):c.1142G>A (p.Gly381Asp)

Gene: PROS1 (protein S; minus strand). Cytogenetic location: 3q11.1.
Variant type: single nucleotide variant.
Coding change: c.1142G>A on transcript NM_000313.4 (MANE Select); coding-DNA position 1142, G replaced by A.
Protein change: p.Gly381Asp; replaces glycine 381 with aspartic acid.
Molecular consequence: missense variant.
Genome position (GRCh38, 1-based): chr3:93,892,946, C>T on the plus strand (G>A on the coding strand, the complement: PROS1 is on the minus strand). VCF-style: chr3-93892946-C-T. GRCh37 (hg19) VCF-style: chr3-93611790-C-T.
Other names: c.1238G>A, p.Gly413Asp (NM_001314077.2); short protein forms G381D, G413D.
Identifiers: ClinVar variation 4747319 (VCV004747319.1).
Genomic context (GRCh38, chr3:93,892,946, plus strand): 5'-CAGACTGCATCAAAGTGGGAAGATATTGATGAAATCTGCAAACGTACCATATTCCATAGA[C>T]CATTATTAATAACATCACCTCCAGTTGTGATTTTGGATGTATGTTCATTCTTAAGCTGAA-3'
Protein context (NP_000304.2, residues 371-391): ITTGGDVINN[Gly381Asp]LWNMVSVEEL

ClinVar aggregate classification (germline): Uncertain significance (1 of 4 stars; one submission).

Conditions:
Thrombophilia due to protein S deficiency, autosomal recessive (THPH6). Identifiers: Orphanet 743, MedGen C3281092, MONDO:0013791, OMIM 614514. Disease mechanism: loss of function.

Submission:

Labcorp Genetics (formerly Invitae), Labcorp
Classification: Uncertain significance for Thrombophilia due to protein S deficiency, autosomal recessive. Last evaluated: 2025-12-15. Review status: criteria provided, single submitter. Criteria: Invitae Variant Classification Sherloc (09022015). Collection method: clinical testing. Allele origin: germline.
Comment: This sequence change replaces glycine, which is neutral and non-polar, with aspartic acid, which is acidic and polar, at codon 381 of the PROS1 protein (p.Gly381Asp). This variant is not present in population databases (gnomAD no frequency). This missense change has been observed in individual(s) with protein S deficiency (PMID: 8943854). This variant is also known as p.Gly340Asp. Invitae Evidence Modeling of protein sequence and biophysical properties (such as structural, functional, and spatial information, amino acid conservation, physicochemical variation, residue mobility, and thermodynamic stability) indicates that this missense variant is expected to disrupt PROS1 protein function with a positive predictive value of 80%. This variant disrupts the p.Gly381 amino acid residue in PROS1. Other variant(s) that disrupt this residue have been observed in individuals with PROS1-related conditions (PMID: 7482398), which suggests that this may be a clinically significant amino acid residue. In summary, the available evidence is currently insufficient to determine the role of this variant in disease. Therefore, it has been classified as a Variant of Uncertain Significance.

Literature cited by the submitters: PubMed 8943854; PubMed 7482398.